The following is an entry in ClinVar:

ClinVar aggregate classification (germline): Uncertain significance (1 of 4 stars; one submission).

Submission:

Labcorp Genetics (formerly Invitae), Labcorp
Classification: Uncertain significance. Last evaluated: 2024-01-24. Review status: criteria provided, single submitter. Criteria: Invitae Variant Classification Sherloc (09022015). Collection method: clinical testing. Allele origin: germline.
Comment: This sequence change replaces glutamic acid, which is acidic and polar, with glycine, which is neutral and non-polar, at codon 1792 of the CEP250 protein (p.Glu1792Gly). This variant is not present in population databases (gnomAD no frequency). This variant has not been reported in the literature in individuals affected with CEP250-related conditions. ClinVar contains an entry for this variant (Variation ID: 1996055). An algorithm developed to predict the effect of missense changes on protein structure and function (PolyPhen-2) suggests that this variant is likely to be disruptive. In summary, the available evidence is currently insufficient to determine the role of this variant in disease. Therefore, it has been classified as a Variant of Uncertain Significance.

NM_007186.6(CEP250):c.5375A>G (p.Glu1792Gly)

Gene: CEP250 (centrosomal protein 250; plus strand). Cytogenetic location: 20q11.22.
Variant type: single nucleotide variant.
Coding change: c.5375A>G on transcript NM_007186.6 (MANE Select); coding-DNA position 5375, A replaced by G.
Protein change: p.Glu1792Gly; replaces glutamic acid 1792 with glycine.
Molecular consequence: missense variant.
Genome position (GRCh38, 1-based): chr20:35,503,744, A>G. VCF-style: chr20-35503744-A-G. GRCh37 (hg19) VCF-style: chr20-34091572-A-G.
Other names: c.3479A>G, p.Glu1160Gly (NM_001318219.1); short protein forms E1160G, E1792G.
Identifiers: ClinVar variation 1996055 (VCV001996055.4), dbSNP rs2516260812, ClinGen allele CA408752749.